The following is an entry in ClinVar:

ClinVar aggregate classification (germline): Likely pathogenic (1 of 4 stars; one submission).

Conditions:
Propionic acidemia (PROP). Also called: GLYCINEMIA, KETOTIC; HYPERGLYCINEMIA WITH KETOACIDOSIS AND LEUKOPENIA; KETOTIC HYPERGLYCINEMIA. Identifiers: Orphanet 35, MedGen C0268579, MONDO:0011628, OMIM 606054, HP:0003571.

Submission:

Labcorp Genetics (formerly Invitae), Labcorp
Classification: Likely pathogenic for Propionic acidemia. Last evaluated: 2022-10-03. Review status: criteria provided, single submitter. Criteria: Invitae Variant Classification Sherloc (09022015). Collection method: clinical testing. Allele origin: germline.
Comment: This variant is not present in population databases (gnomAD no frequency). This sequence change affects an acceptor splice site in intron 2 of the PCCB gene. It is expected to disrupt RNA splicing. Variants that disrupt the donor or acceptor splice site typically lead to a loss of protein function (PMID: 16199547), and loss-of-function variants in PCCB are known to be pathogenic (PMID: 15464417). In summary, the currently available evidence indicates that the variant is pathogenic, but additional data are needed to prove that conclusively. Therefore, this variant has been classified as Likely Pathogenic. Algorithms developed to predict the effect of sequence changes on RNA splicing suggest that this variant may disrupt the consensus splice site. This variant has not been reported in the literature in individuals affected with PCCB-related conditions.

Literature cited by the submitters: PubMed 16199547; PubMed 15464417.

NM_000532.5(PCCB):c.304-1G>A

Gene: PCCB (propionyl-CoA carboxylase subunit beta; plus strand). Cytogenetic location: 3q22.3.
Variant type: single nucleotide variant.
Coding change: c.304-1G>A on transcript NM_000532.5 (MANE Select); the canonical splice acceptor site of the intron before coding-DNA position 304, G replaced by A.
Molecular consequence: splice acceptor variant.
Genome position (GRCh38, 1-based): chr3:136,256,554, G>A. VCF-style: chr3-136256554-G-A. GRCh37 (hg19) VCF-style: chr3-135975396-G-A.
Other names: c.304-1G>A (NM_001178014.2).
Identifiers: ClinVar variation 2029621 (VCV002029621.4), dbSNP rs2529750337, ClinGen allele CA354738635.